The following is an entry in ClinVar:

NM_001271938.2(MEGF8):c.3451G>A (p.Ala1151Thr)

Gene: MEGF8 (multiple EGF like domains 8; plus strand). Cytogenetic location: 19q13.2.
Variant type: single nucleotide variant.
Coding change: c.3451G>A on transcript NM_001271938.2 (MANE Select); coding-DNA position 3451, G replaced by A.
Protein change: p.Ala1151Thr; replaces alanine 1151 with threonine.
Molecular consequence: missense variant.
Genome position (GRCh38, 1-based): chr19:42,353,028, G>A. VCF-style: chr19-42353028-G-A. GRCh37 (hg19) VCF-style: chr19-42857180-G-A.
Other names: c.3250G>A, p.Ala1084Thr (NM_001410.3); short protein forms A1151T, A1084T.
Identifiers: ClinVar variation 950903 (VCV000950903.7), dbSNP rs373631162, ClinGen allele CA9474999.

ClinVar aggregate classification (germline): Uncertain significance (1 of 4 stars; one submission).

Conditions:
MEGF8-related Carpenter syndrome. Also called: Carpenter syndrome 2. Identifiers: Orphanet 65759, MedGen C3554247, MONDO:0013998, OMIM 614976.

Allele frequency attached by ClinVar (database versions not stated): gnomAD exomes 0.00009 and 0.00022; TOPMed 0.00010; ExAC 0.00013; gnomAD 0.00013 and 0.00014; ESP Exome Variant Server 0.00016.

Submission:

Labcorp Genetics (formerly Invitae), Labcorp
Classification: Uncertain significance for MEGF8-related Carpenter syndrome. Last evaluated: 2023-09-13. Review status: criteria provided, single submitter. Criteria: Invitae Variant Classification Sherloc (09022015). Collection method: clinical testing. Allele origin: germline.
Comment: An algorithm developed to predict the effect of missense changes on protein structure and function (PolyPhen-2) suggests that this variant¬†is likely to be tolerated. In summary, the available evidence is currently insufficient to determine the role of this variant in disease. Therefore, it has been classified as a Variant of Uncertain Significance. ClinVar contains an entry for this variant (Variation ID: 950903). This sequence change replaces alanine, which is neutral and non-polar, with threonine, which is neutral and polar, at codon 1084 of the MEGF8 protein (p.Ala1084Thr). This variant is present in population databases (rs373631162, gnomAD 0.02%). This variant has not been reported in the literature in individuals affected with MEGF8-related conditions.